The following is an entry in ClinVar:

NM_001267550.2(TTN):c.40082T>A (p.Ile13361Asn)

Gene: TTN (titin; minus strand). Cytogenetic location: 2q31.2.
Variant type: single nucleotide variant.
Coding change: c.40082T>A on transcript NM_001267550.2 (MANE Select); coding-DNA position 40082, T replaced by A.
Protein change: p.Ile13361Asn; replaces isoleucine 13361 with asparagine.
Molecular consequence: missense variant. On other transcripts: intron variant (5).
Genome position (GRCh38, 1-based): chr2:178,647,440, A>T on the plus strand (T>A on the coding strand, the complement: TTN is on the minus strand). VCF-style: chr2-178647440-A-T. GRCh37 (hg19) VCF-style: chr2-179512167-A-T.
Other names: c.13283-5123T>A (NM_003319.4); c.13859-5123T>A (NM_133437.4); c.13658-5123T>A (NM_133432.3); c.32594-1410T>A (NM_133378.4); c.35375-1410T>A (NM_001256850.1); short protein forms I13361N.
Identifiers: ClinVar variation 993586 (VCV000993586.10), dbSNP rs568151115, ClinGen allele CA60965043.

ClinVar aggregate classification (germline): Uncertain significance. Review status: criteria provided, multiple submitters, no conflicts (2 of 4 stars). 3 submissions from 3 submitters: Uncertain significance (3). Last evaluated 2026-08-12.

Conditions:
Early-onset myopathy with fatal cardiomyopathy (CMYO5). Also called: CONGENITAL MYOPATHY 5 WITH CARDIOMYOPATHY; Salih Myopathy. Identifiers: Orphanet 289377, MedGen C2673677, MONDO:0012714, OMIM 611705. Disease mechanism: loss of function.
TTN-related disorder. Also called: TTN-related condition; TTN-related disease; TTN-related disorders.

Allele frequency attached by ClinVar (database versions not stated): gnomAD exomes 0.00002 and 0.00009; gnomAD 0.00007 and 0.00009; TOPMed 0.00013; 1000 Genomes Project 30x 0.00016; 1000 Genomes Project 0.00020.
gnomAD v4.1: 39 of 1,549,670 alleles (0.0025%); highest among the groups gnomAD compares: African/African-American, 0.037%; no homozygotes.

Submissions (3):

PreventionGenetics, part of Exact Sciences
Classification: Uncertain significance for TTN-related condition. Last evaluated: 2026-08-12. Review status: criteria provided, single submitter. Criteria: ACMG Guidelines, 2015. Collection method: clinical testing. Allele origin: germline.
Comment: The TTN c.40082T>A variant is predicted to result in the amino acid substitution p.Ile13361Asn. To our knowledge, this variant has not been reported in the literature. This variant is reported in 0.039% of alleles in individuals of African descent in gnomAD. At this time, the clinical significance of this variant is uncertain due to the absence of conclusive functional and genetic evidence.

ARUP Laboratories, Molecular Genetics and Genomics, ARUP Laboratories
Classification: Uncertain significance. Last evaluated: 2020-08-23. Review status: criteria provided, single submitter. Criteria: ARUP Molecular Germline Variant Investigation Process. Collection method: clinical testing. Allele origin: germline.
Comment: The TTN c.40082T>A; p.Ile13361Asn variant (rs568151115) is rare in the general population (<0.2% allele frequency in the Genome Aggregation Database) and has not been reported in the medical literature in association with dilated cardiomyopathy (DCM) or other TTN-related disease. The clinical relevance of rare missense variants in this gene, which are identified on average once per individual sequenced in affected populations (Herman 2012), is not well understood. Yet, evidence suggests that the vast majority of such missense variants do not contribute to the clinical outcome of DCM (Begay 2015). Thus, the clinical significance of the p.Ile13361Asn variant cannot be determined with certainty.

Baylor Genetics
Classification: Uncertain significance for Early-onset myopathy with fatal cardiomyopathy. Last evaluated: 2019-12-06. Review status: criteria provided, single submitter. Criteria: ACMG Guidelines, 2015. Collection method: clinical testing. Allele origin: unknown. Affected: yes.
Comment: This variant was determined to be of uncertain significance according to ACMG Guidelines, 2015 [PMID:25741868].